The following is an entry in ClinVar:

ClinVar aggregate classification (germline): Likely benign. Review status: criteria provided, multiple submitters, no conflicts (2 of 4 stars). 2 submissions from 2 submitters: Likely benign (2). Last evaluated 2025-08-11.

Allele frequency attached by ClinVar (database versions not stated): gnomAD exomes below 0.00001; ExAC 0.00002.
gnomAD v4.1: 8 of 1,613,108 alleles (0.0005%); highest among the groups gnomAD compares: Non-Finnish European, 0.00068%; no homozygotes.

Submissions (2):

Labcorp Genetics (formerly Invitae), Labcorp
Classification: Likely benign. Last evaluated: 2025-08-11. Review status: criteria provided, single submitter. Criteria: Invitae Variant Classification Sherloc (09022015). Collection method: clinical testing. Allele origin: germline.

CeGaT Center for Human Genetics Tuebingen
Classification: Likely benign. Last evaluated: 2022-11-01. Review status: criteria provided, single submitter. Criteria: CeGaT Center For Human Genetics Tuebingen Variant Classification Criteria Version 2. Collection method: clinical testing. Allele origin: germline. Affected: yes. Observed: 1 variant allele.
Comment: ABCC6: BP4, BP7

NM_001171.6(ABCC6):c.4164C>G (p.Pro1388=)

Gene: ABCC6 (ATP binding cassette subfamily C member 6; minus strand). Cytogenetic location: 16p13.11.
Variant type: single nucleotide variant.
Coding change: c.4164C>G on transcript NM_001171.6 (MANE Select); coding-DNA position 4164, C replaced by G.
Protein change: p.Pro1388=; no amino-acid change (proline 1388 retained).
Molecular consequence: synonymous variant. On other transcripts: non-coding transcript variant (1).
Genome position (GRCh38, 1-based): chr16:16,154,672, G>C on the plus strand (C>G on the coding strand, the complement: ABCC6 is on the minus strand). VCF-style: chr16-16154672-G-C. GRCh37 (hg19) VCF-style: chr16-16248529-G-C.
Other names: c.3822C>G, p.Pro1274= (NM_001351800.1).
Identifiers: ClinVar variation 1618443 (VCV001618443.36), dbSNP rs373736094, ClinGen allele CA7925299.